The following is an entry in ClinVar:

ClinVar aggregate classification (germline): Uncertain significance (1 of 4 stars; one submission).

Conditions:
Duchenne muscular dystrophy (DMD). Also called: MUSCULAR DYSTROPHY, PSEUDOHYPERTROPHIC PROGRESSIVE, DUCHENNE TYPE; Duchenne Muscular Dystrophy (DMD). Identifiers: Orphanet 98896, MedGen C0013264, MONDO:0010679, OMIM 310200.

gnomAD v4.1: 10 of 1,208,907 alleles (0.00083%); highest among the groups gnomAD compares: Non-Finnish European, 0.0011%; no homozygotes.

Submission:

Labcorp Genetics (formerly Invitae), Labcorp
Classification: Uncertain significance for Duchenne muscular dystrophy. Last evaluated: 2024-09-21. Review status: criteria provided, single submitter. Criteria: Invitae Variant Classification Sherloc (09022015). Collection method: clinical testing. Allele origin: germline.
Comment: This sequence change replaces glycine, which is neutral and non-polar, with glutamic acid, which is acidic and polar, at codon 1433 of the DMD protein (p.Gly1433Glu). This variant is present in population databases (no rsID available, gnomAD 0.009%). This variant has not been reported in the literature in individuals affected with DMD-related conditions. Invitae Evidence Modeling of protein sequence and biophysical properties (such as structural, functional, and spatial information, amino acid conservation, physicochemical variation, residue mobility, and thermodynamic stability) indicates that this missense variant is not expected to disrupt DMD protein function with a negative predictive value of 95%. In summary, the available evidence is currently insufficient to determine the role of this variant in disease. Therefore, it has been classified as a Variant of Uncertain Significance.

NM_004006.3(DMD):c.4298G>A (p.Gly1433Glu)

Gene: DMD (dystrophin; minus strand). Cytogenetic location: Xp21.1.
Variant type: single nucleotide variant.
Coding change: c.4298G>A on transcript NM_004006.3 (MANE Select); coding-DNA position 4298, G replaced by A.
Protein change: p.Gly1433Glu; replaces glycine 1433 with glutamic acid.
Molecular consequence: missense variant.
Genome position (GRCh38, 1-based): chrX:32,390,117, C>T on the plus strand (G>A on the coding strand, the complement: DMD is on the minus strand). VCF-style: chrX-32390117-C-T. GRCh37 (hg19) VCF-style: chrX-32408234-C-T.
Other names: c.4274G>A, p.Gly1425Glu (NM_000109.4); c.4286G>A, p.Gly1429Glu (NM_004009.3); c.3929G>A, p.Gly1310Glu (NM_004010.3); c.275G>A, p.Gly92Glu (NM_004011.4); c.266G>A, p.Gly89Glu (NM_004012.4); short protein forms G89E, G1310E, G1433E, G92E, G1425E, G1429E.
Identifiers: ClinVar variation 3703672 (VCV003703672.2).
Genomic context (GRCh38, chrX:32,390,117, plus strand): 5'-GAAATAACATATACCTGTGCAACATCAATCTGAGACAGGACTCTTTGGGCAGCCTCCTTC[C>T]CCTGATTATGTTTCTTCATTTCTTCTAAACTGATCTCATGACTTGTCAAATCAGATTGGA-3'
Protein context (NP_003997.2, residues 1423-1443): SLEEMKKHNQ[Gly1433Glu]KEAAQRVLSQ